The following is an entry in ClinVar:

ClinVar aggregate classification (germline): Uncertain significance (1 of 4 stars; one submission).

Submission:

CeGaT Center for Human Genetics Tuebingen
Classification: Uncertain significance. Last evaluated: 2026-08-01. Review status: criteria provided, single submitter. Criteria: CeGaT Center For Human Genetics Tuebingen Variant Classification Criteria Version 2. Collection method: clinical testing. Allele origin: germline. Affected: yes. Observed: 1 variant allele.
Comment: SYNE2: PM2, BP4

NM_182914.3(SYNE2):c.14449A>G (p.Thr4817Ala)

Gene: SYNE2 (spectrin repeat containing nuclear envelope protein 2; plus strand). Cytogenetic location: 14q23.2.
Variant type: single nucleotide variant.
Coding change: c.14449A>G on transcript NM_182914.3 (MANE Select); coding-DNA position 14449, A replaced by G.
Protein change: p.Thr4817Ala; replaces threonine 4817 with alanine.
Molecular consequence: missense variant.
Genome position (GRCh38, 1-based): chr14:64,132,373, A>G. VCF-style: chr14-64132373-A-G. GRCh37 (hg19) VCF-style: chr14-64599091-A-G.
Other names: c.14449A>G, p.Thr4817Ala (NM_015180.6); short protein forms T4817A.
Identifiers: ClinVar variation 5039876 (VCV005039876.1).
Genomic context (GRCh38, chr14:64,132,373, plus strand): 5'-TCTGCCAAAATACTTCCTTCTTTATTGCAAAACAGAGAGACATTTTGGGCAGAACAAGTA[A>G]CAGAAGTTAAAATACTAGAAGAAAAGTCACGCCAATGTGGTATGAAGCTGCAGAGTTTGT-3'
Protein context (NP_878918.2, residues 4807-4827): NRETFWAEQV[Thr4817Ala]EVKILEEKSR